The following is an entry in ClinVar:

NM_015650.4(TRAF3IP1):c.212G>C (p.Ser71Thr)

Gene: TRAF3IP1 (TRAF3 interacting protein 1; plus strand). Cytogenetic location: 2q37.3.
Variant type: single nucleotide variant.
Coding change: c.212G>C on transcript NM_015650.4 (MANE Select); coding-DNA position 212, G replaced by C.
Protein change: p.Ser71Thr; replaces serine 71 with threonine.
Molecular consequence: missense variant.
Genome position (GRCh38, 1-based): chr2:238,325,828, G>C. VCF-style: chr2-238325828-G-C. GRCh37 (hg19) VCF-style: chr2-239234469-G-C.
Other names: c.212G>C, p.Ser71Thr (NM_001139490.1); short protein forms S71T.
Identifiers: ClinVar variation 2106653 (VCV002106653.1), dbSNP rs879162414, ClinGen allele CA67977737.

ClinVar aggregate classification (germline): Uncertain significance (1 of 4 stars; one submission).

Submission:

Labcorp Genetics (formerly Invitae), Labcorp
Classification: Uncertain significance. Last evaluated: 2022-08-02. Review status: criteria provided, single submitter. Criteria: Invitae Variant Classification Sherloc (09022015). Collection method: clinical testing. Allele origin: germline.
Comment: This sequence change replaces serine, which is neutral and polar, with threonine, which is neutral and polar, at codon 71 of the TRAF3IP1 protein (p.Ser71Thr). This variant is not present in population databases (gnomAD no frequency). This variant has not been reported in the literature in individuals affected with TRAF3IP1-related conditions. Algorithms developed to predict the effect of missense changes on protein structure and function (SIFT, PolyPhen-2, Align-GVGD) all suggest that this variant is likely to be tolerated. In summary, the available evidence is currently insufficient to determine the role of this variant in disease. Therefore, it has been classified as a Variant of Uncertain Significance.